The following is an entry in ClinVar:

NM_003071.4(HLTF):c.2732C>G (p.Ser911Cys)

Gene: HLTF (helicase like transcription factor; minus strand). Cytogenetic location: 3q24.
Variant type: single nucleotide variant.
Coding change: c.2732C>G on transcript NM_003071.4 (MANE Select); coding-DNA position 2732, C replaced by G.
Protein change: p.Ser911Cys; replaces serine 911 with cysteine.
Molecular consequence: missense variant.
Genome position (GRCh38, 1-based): chr3:149,039,113, G>C on the plus strand (C>G on the coding strand, the complement: HLTF is on the minus strand). VCF-style: chr3-149039113-G-C. GRCh37 (hg19) VCF-style: chr3-148756900-G-C.
Other names: c.2729C>G, p.Ser910Cys (NM_001318934.2); c.2732C>G, p.Ser911Cys (NM_001318935.2, NM_139048.3); c.2732C>G (NM_001318935.1); short protein forms S910C, S911C.
Identifiers: ClinVar variation 2464676 (VCV002464676.4), dbSNP rs201754257, ClinGen allele CA2658845.

ClinVar aggregate classification (germline): Uncertain significance. Review status: criteria provided, multiple submitters, no conflicts (2 of 4 stars). 2 submissions from 2 submitters: Uncertain significance (2). Last evaluated 2025-07-01.

Conditions:
HLTF-related disorder. Also called: HLTF-related condition.

Allele frequency attached by ClinVar (database versions not stated): ExAC 0.00002; TOPMed 0.00003; gnomAD 0.00005; ESP Exome Variant Server 0.00008.
gnomAD v4.1: 215 of 1,611,776 alleles (0.013%); highest among the groups gnomAD compares: Non-Finnish European, 0.018%; no homozygotes.

Submissions (2):

Ambry Genetics
Classification: Uncertain significance. Last evaluated: 2025-07-01. Review status: criteria provided, single submitter. Criteria: Ambry Variant Classification Scheme 2023. Collection method: clinical testing. Allele origin: germline.

PreventionGenetics, part of Exact Sciences
Classification: Uncertain significance for HLTF-related condition. Last evaluated: 2023-07-07. Review status: criteria provided, single submitter. Criteria: ACMG Guidelines, 2015. Collection method: clinical testing. Allele origin: germline.
Comment: The HLTF c.2732C>G variant is predicted to result in the amino acid substitution p.Ser911Cys. To our knowledge, this variant has not been reported in the literature. This variant is reported in 0.0062% of alleles in individuals of European (Non-Finnish) descent in gnomAD. At this time, the clinical significance of this variant is uncertain due to the absence of conclusive functional and genetic evidence.